The following is an entry in ClinVar:

ClinVar aggregate classification (germline): Uncertain significance. Review status: criteria provided, multiple submitters, no conflicts (2 of 4 stars). 2 submissions from 2 submitters: Uncertain significance (2). Last evaluated 2026-05-14.

Conditions:
Hereditary cancer-predisposing syndrome. Also called: Neoplastic Syndromes, Hereditary; Tumor predisposition; Hereditary Cancer Syndrome; Hereditary neoplastic syndrome. Identifiers: Orphanet 140162, MedGen C0027672, MeSH D009386, MONDO:0015356.
Tuberous sclerosis 1 (TSC1). Identifiers: Orphanet 805, MedGen C1854465, MONDO:0008612, OMIM 191100.

Submissions (2):

Ambry Genetics
Classification: Uncertain significance for Hereditary cancer-predisposing syndrome. Last evaluated: 2026-05-14. Review status: criteria provided, single submitter. Criteria: Ambry Variant Classification Scheme 2023. Collection method: clinical testing. Allele origin: germline.
Comment: The p.L652R variant (also known as c.1955T>G), located in coding exon 13 of the TSC1 gene, results from a T to G substitution at nucleotide position 1955. The leucine at codon 652 is replaced by arginine, an amino acid with dissimilar properties. This amino acid position is highly conserved in available vertebrate species. In addition, this alteration is predicted to be deleterious by in silico analysis. Based on the available evidence, the clinical significance of this variant remains unclear.

Labcorp Genetics (formerly Invitae), Labcorp
Classification: Uncertain significance for Tuberous sclerosis 1. Last evaluated: 2024-10-15. Review status: criteria provided, single submitter. Criteria: Invitae Variant Classification Sherloc (09022015). Collection method: clinical testing. Allele origin: germline.
Comment: This sequence change replaces leucine, which is neutral and non-polar, with arginine, which is basic and polar, at codon 652 of the TSC1 protein (p.Leu652Arg). This variant is not present in population databases (gnomAD no frequency). This variant has not been reported in the literature in individuals affected with TSC1-related conditions. ClinVar contains an entry for this variant (Variation ID: 1783300). Invitae Evidence Modeling of protein sequence and biophysical properties (such as structural, functional, and spatial information, amino acid conservation, physicochemical variation, residue mobility, and thermodynamic stability) has been performed for this missense variant. However, the output from this modeling did not meet the statistical confidence thresholds required to predict the impact of this variant on TSC1 protein function. In summary, the available evidence is currently insufficient to determine the role of this variant in disease. Therefore, it has been classified as a Variant of Uncertain Significance.

NM_000368.5(TSC1):c.1955T>G (p.Leu652Arg)

Gene: TSC1 (TSC complex subunit 1; minus strand). Cytogenetic location: 9q34.13.
Variant type: single nucleotide variant.
Coding change: c.1955T>G on transcript NM_000368.5 (MANE Select); coding-DNA position 1955, T replaced by G.
Protein change: p.Leu652Arg; replaces leucine 652 with arginine.
Molecular consequence: missense variant.
Genome position (GRCh38, 1-based): chr9:132,905,623, A>C on the plus strand (T>G on the coding strand, the complement: TSC1 is on the minus strand). VCF-style: chr9-132905623-A-C. GRCh37 (hg19) VCF-style: chr9-135781010-A-C.
Other names: c.1592T>G, p.Leu531Arg (NM_001406614.1, NM_001406615.1, NM_001406616.1 and 5 more transcripts); c.1589T>G, p.Leu530Arg (NM_001406620.1, NM_001406621.1, NM_001406622.1 and 2 more transcripts); c.1952T>G, p.Leu651Arg (NM_001162426.2, NM_001406597.1, NM_001406598.1 and 6 more transcripts); c.1802T>G, p.Leu601Arg (NM_001162427.2, NM_001406610.1); c.1955T>G, p.Leu652Arg (NM_001406592.1, NM_001406593.1, NM_001406594.1 and 7 more transcripts); c.1799T>G, p.Leu600Arg (NM_001406611.1, NM_001406612.1, NM_001406613.1); c.1004T>G, p.Leu335Arg (NM_001406626.1); c.1001T>G, p.Leu334Arg (NM_001406627.1, NM_001406628.1); and 1 more; short protein forms L530R, L601R, L301R, L334R, L335R, L651R, L531R, L600R.
Identifiers: ClinVar variation 1783300 (VCV001783300.6), dbSNP rs2131810155, ClinGen allele CA375362434.